The following is an entry in ClinVar:

ClinVar aggregate classification (germline): Conflicting classifications of pathogenicity. Review status: criteria provided, conflicting classifications (1 of 4 stars). 18 submissions from 14 submitters: Uncertain significance (12); Benign (2); Likely benign (4). Last evaluated 2026-08-25.

Conditions:
TTN-related disorder. Also called: TTN-related disorders; TTN-related condition; TTN-related disease.
Dilated cardiomyopathy 1G (CMD1G). Identifiers: Orphanet 154, MedGen C1858763, MONDO:0011400, OMIM 604145.
Autosomal recessive limb-girdle muscular dystrophy type 2J (LGMDR10). Also called: Limb-girdle muscular dystrophy, type 2J; MUSCULAR DYSTROPHY, LIMB-GIRDLE, AUTOSOMAL RECESSIVE 10. Identifiers: Orphanet 140922, MedGen C1837342, MONDO:0012127, OMIM 608807.
Early-onset myopathy with fatal cardiomyopathy (CMYO5). Also called: CONGENITAL MYOPATHY 5 WITH CARDIOMYOPATHY; Salih Myopathy. Identifiers: Orphanet 289377, MedGen C2673677, MONDO:0012714, OMIM 611705. Disease mechanism: loss of function.
Myopathy, myofibrillar, 9, with early respiratory failure (MFM9). Also called: Hereditary myopathy with early respiratory failure; MYOPATHY, PROXIMAL, WITH EARLY RESPIRATORY MUSCLE INVOLVEMENT; EDSTROM MYOPATHY; Myopathy, distal, with early respiratory failure, autosomal dominant. Identifiers: Orphanet 178464, Orphanet 34521, MedGen C1863599, MONDO:0011362, OMIM 603689.
Tibial muscular dystrophy (TMD). Also called: UDD MYOPATHY; Tibial muscular dystrophy, tardive; Udd Distal Myopathy – Tibial Muscular Dystrophy. Identifiers: Orphanet 609, MedGen C1838244, MONDO:0010870, OMIM 600334.

Allele frequency attached by ClinVar (database versions not stated): gnomAD 0.00011 and 0.00012; TOPMed 0.00014; gnomAD exomes 0.00020 and 0.00030; ExAC 0.00022; ESP Exome Variant Server 0.00025.
gnomAD v4.1: 450 of 1,604,542 alleles (0.028%); highest among the groups gnomAD compares: Non-Finnish European, 0.036%; no homozygotes.

Submissions (18):

PreventionGenetics, part of Exact Sciences
Classification: Likely benign for TTN-related condition. Last evaluated: 2026-08-25. Review status: criteria provided, single submitter. Criteria: ACMG Guidelines, 2015. Collection method: clinical testing. Allele origin: germline.
Comment: This variant is classified as likely benign based on ACMG/AMP sequence variant interpretation guidelines (Richards et al. 2015 PMID: 25741868, with internal and published modifications).

Women's Health and Genetics/Laboratory Corporation of America, LabCorp
Classification: Uncertain significance. Last evaluated: 2025-10-29. Review status: criteria provided, single submitter. Criteria: LabCorp Variant Classification Summary - May 2015. Collection method: clinical testing. Allele origin: germline.
Comment: Variant summary: TTN c.30064C>T (p.Pro10022Ser) results in a non-conservative amino acid change in the encoded protein sequence. Algorithms developed to predict the effect of missense changes on protein structure and function are either unavailable or do not agree on the potential impact of this missense change. The variant allele was found at a frequency of 0.0002 in 241292 control chromosomes. This frequency is not significantly higher than estimated for disease-causing variants in TTN, allowing no conclusion about variant significance. To our knowledge, no occurrence of c.30064C>T in individuals affected with TTN-related conditions and no experimental evidence demonstrating its impact on protein function have been reported. ClinVar contains an entry for this variant (Variation ID: 166105). Based on the evidence outlined above, the variant was classified as uncertain significance.

CeGaT Center for Human Genetics Tuebingen
Classification: Uncertain significance. Last evaluated: 2025-06-01. Review status: criteria provided, single submitter. Criteria: CeGaT Center For Human Genetics Tuebingen Variant Classification Criteria Version 2. Collection method: clinical testing. Allele origin: germline. Affected: yes. Observed: 2 variant alleles.
Comment: TTN: PM2, BP4

Mayo Clinic Laboratories, Mayo Clinic
Classification: Uncertain significance. Last evaluated: 2025-03-12. Review status: criteria provided, single submitter. Criteria: ACMG Guidelines, 2015. Collection method: clinical testing. Allele origin: germline. Observed: 3 variant alleles.

Blueprint Genetics
Classification: Likely benign. Last evaluated: 2024-10-09. Review status: criteria provided, single submitter. Criteria: ACMG Guidelines, 2015. Collection method: clinical testing. Allele origin: germline.

Athena Diagnostics
Classification: Likely benign. Last evaluated: 2024-08-13. Review status: criteria provided, single submitter. Criteria: Athena Diagnostics Criteria. Collection method: clinical testing. Allele origin: unknown.

GeneDx
Classification: Likely benign. Last evaluated: 2021-03-18. Review status: criteria provided, single submitter. Criteria: GeneDx Variant Classification Process June 2021. Collection method: clinical testing. Allele origin: germline. Affected: yes.

Revvity Omics, Revvity
Classification: Uncertain significance. Last evaluated: 2020-06-30. Review status: criteria provided, single submitter. Criteria: ACMG Guidelines, 2015. Collection method: clinical testing. Allele origin: germline.

ARUP Laboratories, Molecular Genetics and Genomics, ARUP Laboratories
Classification: Uncertain significance. Last evaluated: 2020-02-14. Review status: criteria provided, single submitter. Criteria: ARUP Molecular Germline Variant Investigation Process. Collection method: clinical testing. Allele origin: germline.

Illumina Laboratory Services, Illumina
Classification: Uncertain significance for Early-onset myopathy with fatal cardiomyopathy. Last evaluated: 2018-01-12. Review status: criteria provided, single submitter. Criteria: ICSL Variant Classification Criteria 13 December 2019. Collection method: clinical testing. Allele origin: germline.

Illumina Laboratory Services, Illumina
Classification: Benign for Myopathy, myofibrillar, 9, with early respiratory failure. Last evaluated: 2018-01-12. Review status: criteria provided, single submitter. Criteria: ICSL Variant Classification Criteria 13 December 2019. Collection method: clinical testing. Allele origin: germline.
Comment: This variant was observed in the ICSL laboratory as part of a predisposition screen in an ostensibly healthy population. It had not been previously curated by ICSL or reported in the Human Gene Mutation Database (HGMD: prior to June 1st, 2018), and was therefore a candidate for classification through an automated scoring system. Utilizing variant allele frequency, disease prevalence and penetrance estimates, and inheritance mode, an automated score was calculated to assess if this variant is too frequent to cause the disease. Based on the score and internal cut-off values, a variant classified as benign is not then subjected to further curation. The score for this variant resulted in a classification of benign for this disease.

Illumina Laboratory Services, Illumina
Classification: Uncertain significance for Dilated cardiomyopathy 1G. Last evaluated: 2018-01-12. Review status: criteria provided, single submitter. Criteria: ICSL Variant Classification Criteria 13 December 2019. Collection method: clinical testing. Allele origin: germline.

Illumina Laboratory Services, Illumina
Classification: Benign for Tibial muscular dystrophy. Last evaluated: 2018-01-12. Review status: criteria provided, single submitter. Criteria: ICSL Variant Classification Criteria 13 December 2019. Collection method: clinical testing. Allele origin: germline.
Comment: the same text as in the submission from Illumina Laboratory Services, Illumina above.

Illumina Laboratory Services, Illumina
Classification: Uncertain significance for Autosomal recessive limb-girdle muscular dystrophy type 2J. Last evaluated: 2018-01-12. Review status: criteria provided, single submitter. Criteria: ICSL Variant Classification Criteria 13 December 2019. Collection method: clinical testing. Allele origin: germline.

Eurofins Ntd Llc (ga)
Classification: Uncertain significance. Last evaluated: 2017-06-29. Review status: criteria provided, single submitter. Criteria: EGL Classification Definitions 2015. Collection method: clinical testing. Allele origin: germline. Observed: 4 variant alleles, 3 heterozygotes.

Center for Pediatric Genomic Medicine, Children's Mercy Hospital and Clinics
Classification: Uncertain significance. Last evaluated: 2017-05-11. Review status: criteria provided, single submitter. Criteria: ACMG Guidelines, 2015. Collection method: clinical testing. Allele origin: germline.

Labcorp Genetics (formerly Invitae), Labcorp
Classification: Uncertain significance for Dilated cardiomyopathy 1G; Autosomal recessive limb-girdle muscular dystrophy type 2J. Last evaluated: 2017-04-05. Review status: criteria provided, single submitter. Criteria: Invitae Variant Classification Sherloc (09022015). Collection method: clinical testing. Allele origin: germline.

Laboratory for Molecular Medicine, Mass General Brigham Personalized Medicine
Classification: Uncertain significance. Last evaluated: 2014-06-13. Review status: criteria provided, single submitter. Criteria: LMM Criteria. Collection method: clinical testing. Allele origin: germline. Observed: 3 variant alleles.
Comment: The Pro10022Ser variant has been identified in 2/8148 Europe an American chromosomes and 1/3670 African American chromosomes by the NHLBI Exo me Sequencing Project (dbSNP rs201120871). Co mputational prediction tools and conservation analysis do not provide strong sup port for or against an impact to the protein. In summary, the clinical significa nce of the Pro10022Ser variant is uncertain.

Literature cited by the submitters: PubMed 30847666 (cited by Athena Diagnostics).

NM_001267550.2(TTN):c.33796C>T (p.Pro11266Ser)

Gene: TTN (titin; minus strand). Cytogenetic location: 2q31.2.
Variant type: single nucleotide variant.
Coding change: c.33796C>T on transcript NM_001267550.2 (MANE Select); coding-DNA position 33796, C replaced by T.
Protein change: p.Pro11266Ser; replaces proline 11266 with serine.
Molecular consequence: missense variant. On other transcripts: intron variant (3).
Genome position (GRCh38, 1-based): chr2:178,678,777, G>A on the plus strand (C>T on the coding strand, the complement: TTN is on the minus strand). VCF-style: chr2-178678777-G-A. GRCh37 (hg19) VCF-style: chr2-179543504-G-A.
Other names: c.30064C>T, p.Pro10022Ser (NM_133378.4); c.33796C>T (NM_001267550.1); c.32845C>T, p.Pro10949Ser (NM_001256850.1); c.13283-36460C>T (NM_003319.4); c.13859-36460C>T (NM_133437.4); c.13658-36460C>T (NM_133432.3); short protein forms P10022S, P11266S, P10949S.
Identifiers: ClinVar variation 166105 (VCV000166105.50), dbSNP rs201120871, ClinGen allele CA178903.